The following is an entry in ClinVar:

NM_031935.3(HMCN1):c.11947C>T (p.His3983Tyr)

Gene: HMCN1 (hemicentin 1; plus strand). Cytogenetic location: 1q31.1.
Variant type: single nucleotide variant.
Coding change: c.11947C>T on transcript NM_031935.3 (MANE Select); coding-DNA position 11947, C replaced by T.
Protein change: p.His3983Tyr; replaces histidine 3983 with tyrosine.
Molecular consequence: missense variant.
Genome position (GRCh38, 1-based): chr1:186,119,289, C>T. VCF-style: chr1-186119289-C-T. GRCh37 (hg19) VCF-style: chr1-186088421-C-T.
Other names: short protein forms H3983Y.
Identifiers: ClinVar variation 3690070 (VCV003690070.2).
Genomic context (GRCh38, chr1:186,119,289, plus strand): 5'-GGAAGATACACTTGTGTCGCTAGGAATGCGGCTGGCTCTGCACATCGACACGTGACCCTT[C>T]ATGTTCATGGTATGGAAGGCTATTTACTCATTCAAAGTTCGCTGGGTTTGGGGAGGTTTT-3'
Protein context (NP_114141.2, residues 3973-3993): AGSAHRHVTL[His3983Tyr]VHEPPVIQPQ

ClinVar aggregate classification (germline): Uncertain significance (1 of 4 stars; one submission).

gnomAD v4.1: 1 of 1,612,406 alleles (0.000062%); highest among the groups gnomAD compares: Non-Finnish European, 0.000085%; no homozygotes.

Submission:

Labcorp Genetics (formerly Invitae), Labcorp
Classification: Uncertain significance. Last evaluated: 2024-09-23. Review status: criteria provided, single submitter. Criteria: Invitae Variant Classification Sherloc (09022015). Collection method: clinical testing. Allele origin: germline.
Comment: This sequence change replaces histidine, which is basic and polar, with tyrosine, which is neutral and polar, at codon 3983 of the HMCN1 protein (p.His3983Tyr). This variant is not present in population databases (gnomAD no frequency). This variant has not been reported in the literature in individuals affected with HMCN1-related conditions. An algorithm developed to predict the effect of missense changes on protein structure and function outputs the following: PolyPhen-2: "Benign". The tyrosine amino acid residue is found in multiple mammalian species, which suggests that this missense change does not adversely affect protein function. In summary, the available evidence is currently insufficient to determine the role of this variant in disease. Therefore, it has been classified as a Variant of Uncertain Significance.